The following is an entry in ClinVar:

NM_014363.6(SACS):c.9103T>G (p.Leu3035Val)

Gene: SACS (sacsin molecular chaperone; minus strand). Cytogenetic location: 13q12.12.
Variant type: single nucleotide variant.
Coding change: c.9103T>G on transcript NM_014363.6 (MANE Select); coding-DNA position 9103, T replaced by G.
Protein change: p.Leu3035Val; replaces leucine 3035 with valine.
Molecular consequence: missense variant.
Genome position (GRCh38, 1-based): chr13:23,334,773, A>C on the plus strand (T>G on the coding strand, the complement: SACS is on the minus strand). VCF-style: chr13-23334773-A-C. GRCh37 (hg19) VCF-style: chr13-23908912-A-C.
Other names: c.8662T>G, p.Leu2888Val (NM_001278055.2); short protein forms L2888V, L3035V.
Identifiers: ClinVar variation 2418839 (VCV002418839.6), dbSNP rs2542207050, ClinGen allele CA387515177.

ClinVar aggregate classification (germline): Uncertain significance (1 of 4 stars; one submission).

Conditions:
Spastic paraplegia. Identifiers: MedGen C0037772, HP:0001258.

Submission:

Labcorp Genetics (formerly Invitae), Labcorp
Classification: Uncertain significance for Spastic paraplegia. Last evaluated: 2025-08-14. Review status: criteria provided, single submitter. Criteria: Invitae Variant Classification Sherloc (09022015). Collection method: clinical testing. Allele origin: germline.
Comment: This sequence change replaces leucine, which is neutral and non-polar, with valine, which is neutral and non-polar, at codon 3035 of the SACS protein (p.Leu3035Val). This variant is not present in population databases (gnomAD no frequency). This variant has not been reported in the literature in individuals affected with SACS-related conditions. ClinVar contains an entry for this variant (Variation ID: 2418839). Invitae Evidence Modeling of protein sequence and biophysical properties (such as structural, functional, and spatial information, amino acid conservation, physicochemical variation, residue mobility, and thermodynamic stability) indicates that this missense variant is not expected to disrupt SACS protein function with a negative predictive value of 95%. In summary, the available evidence is currently insufficient to determine the role of this variant in disease. Therefore, it has been classified as a Variant of Uncertain Significance.